The following is an entry in ClinVar:

NM_000179.3(MSH6):c.659A>C (p.Glu220Ala)

Gene: MSH6 (mutS homolog 6; plus strand). Cytogenetic location: 2p16.3.
Variant type: single nucleotide variant.
Coding change: c.659A>C on transcript NM_000179.3 (MANE Select); coding-DNA position 659, A replaced by C.
Protein change: p.Glu220Ala; replaces glutamic acid 220 with alanine.
Molecular consequence: missense variant. On other transcripts: 5 prime UTR variant (2).
Genome position (GRCh38, 1-based): chr2:47,798,642, A>C. VCF-style: chr2-47798642-A-C. GRCh37 (hg19) VCF-style: chr2-48025781-A-C.
Other names: c.269A>C, p.Glu90Ala (NM_001281492.2); c.-248A>C (NM_001281493.2, NM_001281494.2); short protein forms E220A, E90A.
Identifiers: ClinVar variation 184819 (VCV000184819.15), dbSNP rs764478569, ClinGen allele CA016166.

ClinVar aggregate classification (germline): Uncertain significance. Review status: criteria provided, multiple submitters, no conflicts (2 of 4 stars). 2 submissions from 2 submitters: Uncertain significance (2). Last evaluated 2025-12-09.

Conditions:
Hereditary nonpolyposis colorectal neoplasms. Identifiers: MedGen C0009405, MeSH D003123.
Hereditary cancer-predisposing syndrome. Also called: Hereditary neoplastic syndrome; Neoplastic Syndromes, Hereditary; Tumor predisposition; Hereditary Cancer Syndrome. Identifiers: Orphanet 140162, MedGen C0027672, MeSH D009386, MONDO:0015356.

gnomAD v4.1: 2 of 1,612,556 alleles (0.00012%); highest among the groups gnomAD compares: Non-Finnish European, 0.000085%; no homozygotes.

Submissions (2):

Labcorp Genetics (formerly Invitae), Labcorp
Classification: Uncertain significance for Hereditary nonpolyposis colorectal neoplasms. Last evaluated: 2025-12-09. Review status: criteria provided, single submitter. Criteria: Invitae Variant Classification Sherloc (09022015). Collection method: clinical testing. Allele origin: germline.
Comment: This sequence change replaces glutamic acid, which is acidic and polar, with alanine, which is neutral and non-polar, at codon 220 of the MSH6 protein (p.Glu220Ala). This variant is not present in population databases (gnomAD no frequency). This variant has not been reported in the literature in individuals affected with MSH6-related conditions. ClinVar contains an entry for this variant (Variation ID: 184819). Invitae Evidence Modeling of protein sequence and biophysical properties (such as structural, functional, and spatial information, amino acid conservation, physicochemical variation, residue mobility, and thermodynamic stability) indicates that this missense variant is not expected to disrupt MSH6 protein function with a negative predictive value of 95%. In summary, the available evidence is currently insufficient to determine the role of this variant in disease. Therefore, it has been classified as a Variant of Uncertain Significance.

Ambry Genetics
Classification: Uncertain significance for Hereditary cancer-predisposing syndrome. Last evaluated: 2019-01-30. Review status: criteria provided, single submitter. Criteria: Ambry Variant Classification Scheme 2023. Collection method: clinical testing. Allele origin: germline.
Comment: The p.E220A variant (also known as c.659A>C), located in coding exon 4 of the MSH6 gene, results from an A to C substitution at nucleotide position 659. The glutamic acid at codon 220 is replaced by alanine, an amino acid with dissimilar properties. This amino acid position is well conserved through mammals. In addition, this alteration is predicted to be tolerated by in silico analysis. In addition, the CoDP in silico tool predicts this alteration to have a minor impact on molecular function, with a score of 0.000 (Terui H et al. J. Biomed. Sci. 2013 Apr;20:25). Since supporting evidence is limited at this time, the clinical significance of this alteration remains unclear.